The following is an entry in ClinVar:

NM_021146.4(ANGPTL7):c.631C>A (p.Arg211=)

Genes: ANGPTL7 (angiopoietin like 7; plus strand), MTOR (mechanistic target of rapamycin kinase; minus strand). Cytogenetic location: 1p36.22.
Variant type: single nucleotide variant.
Coding change: c.631C>A on transcript NM_021146.4 (MANE Select); coding-DNA position 631, C replaced by A.
Protein change: p.Arg211=; no amino-acid change (arginine 211 retained).
Molecular consequence: synonymous variant. On other transcripts: intron variant (3).
Genome position (GRCh38, 1-based): chr1:11,193,733, C>A. VCF-style: chr1-11193733-C-A. GRCh37 (hg19) VCF-style: chr1-11253790-C-A.
Other names: c.3005+5525G>T (NM_001386501.1); c.4253+5525G>T (NM_004958.4, NM_001386500.1).
Identifiers: ClinVar variation 3772158 (VCV003772158.13).
Genomic context (GRCh38, chr1:11,193,733, plus strand): 5'-TACAAGCAGGGCTTTGGCAGCATCCGTGGGGACTTCTGGCTGGGGAACGAACACATCCAC[C>A]GGCTCTCCAGACAGCCAACCCGGCTGCGTGTAGAGATGGAGGTAAGCACAAGGCCAGGGG-3'
Protein context (NP_066969.1, residues 201-221): DFWLGNEHIH[Arg211=]LSRQPTRLRV

ClinVar aggregate classification (germline): Likely benign (1 of 4 stars; one submission).

Submission:

CeGaT Center for Human Genetics Tuebingen
Classification: Likely benign. Last evaluated: 2024-12-01. Review status: criteria provided, single submitter. Criteria: CeGaT Center For Human Genetics Tuebingen Variant Classification Criteria Version 2. Collection method: clinical testing. Allele origin: germline. Affected: yes. Observed: 1 variant allele.
Comment: ANGPTL7: PM2:Supporting, BP4, BP7